The following is an entry in ClinVar:

NM_005378.6(MYCN):c.790+1G>T

Gene: MYCN (MYCN proto-oncogene, bHLH transcription factor; plus strand). Cytogenetic location: 2p24.3.
Variant type: single nucleotide variant.
Coding change: c.790+1G>T on transcript NM_005378.6 (MANE Select); the canonical splice donor site of the intron after coding-DNA position 790, G replaced by T.
Molecular consequence: splice donor variant. On other transcripts: intron variant (1).
Genome position (GRCh38, 1-based): chr2:15,942,855, G>T. VCF-style: chr2-15942855-G-T. GRCh37 (hg19) VCF-style: chr2-16082977-G-T.
Other names: c.790+1G>T (NM_001293228.2); c.*725+1G>T (NM_001293233.2); c.157+2112G>T (NM_001293231.2).
Identifiers: ClinVar variation 453036 (VCV000453036.2), dbSNP rs1553370518, ClinGen allele CA345931597.

ClinVar aggregate classification (germline): Pathogenic (1 of 4 stars; one submission).

Submission:

GeneDx
Classification: Pathogenic. Last evaluated: 2017-10-31. Review status: criteria provided, single submitter. Criteria: GeneDx Variant Classification (06012015). Collection method: clinical testing. Allele origin: germline. Affected: yes.
Comment: The c.790+1G>T variant in the MYCN gene has not been reported previously as a pathogenic variant nor as a benign variant, to our knowledge. This splice site variant destroys the canonical splice donor site in intron 2. It is predicted to cause abnormal gene splicing, either leading to an abnormal message that is subject to nonsense-mediated mRNA decay, or to an abnormal protein product if the message is used for protein translation. The c.790+1G>T variant is not observed in large population cohorts (Lek et al., 2016). We interpret c.790+1G>T as a pathogenic variant.